The following is an entry in ClinVar:

ClinVar aggregate classification (germline): Conflicting classifications of pathogenicity. Review status: criteria provided, conflicting classifications (1 of 4 stars). 5 submissions from 5 submitters: Uncertain significance (2); Likely benign (2). 1 of the submissions does not count toward it. Last evaluated 2026-01-18.

Conditions:
BBS2-related disorder. Also called: BBS2-related disorders; BBS2-related condition. Identifiers: MedGen CN239228.
Inborn genetic diseases. Identifiers: MedGen C0950123, MeSH D030342.
Bardet-Biedl syndrome (BBS). Identifiers: Orphanet 110, MedGen C0752166, MONDO:0015229.

Allele frequency attached by ClinVar (database versions not stated): gnomAD exomes 0.00004 and 0.00008; ExAC 0.00010; ESP Exome Variant Server 0.00015; 1000 Genomes Project 0.00020; gnomAD 0.00029 and 0.00031; TOPMed 0.00030; 1000 Genomes Project 30x 0.00031.

Submissions (5):

Labcorp Genetics (formerly Invitae), Labcorp
Classification: Likely benign for Bardet-Biedl syndrome. Last evaluated: 2026-01-18. Review status: criteria provided, single submitter. Criteria: Invitae Variant Classification Sherloc (09022015). Collection method: clinical testing. Allele origin: germline.

GeneDx
Classification: Uncertain significance. Last evaluated: 2024-10-15. Review status: criteria provided, single submitter. Criteria: GeneDx Variant Classification Process June 2021. Collection method: clinical testing. Allele origin: germline. Affected: yes.
Comment: In silico analysis indicates that this missense variant does not alter protein structure/function; Has not been previously published as pathogenic or benign to our knowledge

Blueprint Genetics
Classification: Likely benign. Last evaluated: 2024-08-28. Review status: criteria provided, single submitter. Criteria: ACMG Guidelines, 2015. Collection method: clinical testing. Allele origin: germline.

Ambry Genetics
Classification: Uncertain significance for Inborn genetic diseases. Last evaluated: 2024-07-09. Review status: criteria provided, single submitter. Criteria: Ambry Variant Classification Scheme 2023. Collection method: clinical testing. Allele origin: germline.

PreventionGenetics, part of Exact Sciences
Classification: Uncertain significance for BBS2-related condition. Last evaluated: 2024-05-23. Review status: no assertion criteria provided. Collection method: clinical testing. Allele origin: germline. Not counted in ClinVar's aggregate classification.
Comment: The BBS2 c.1238G>A variant is predicted to result in the amino acid substitution p.Arg413Gln. To our knowledge, this variant has not been reported in the literature. This variant is reported in 0.10% of alleles in individuals of African descent, including one homozygous individual, in gnomAD. This frequency is more common than expected for a disease-causing variant. Although we suspect this variant may be benign, at this time, the clinical significance is uncertain due to the absence of conclusive functional and genetic evidence.

NM_031885.5(BBS2):c.1238G>A (p.Arg413Gln)

Gene: BBS2 (Bardet-Biedl syndrome 2; minus strand). Cytogenetic location: 16q13.
Variant type: single nucleotide variant.
Coding change: c.1238G>A on transcript NM_031885.5 (MANE Select); coding-DNA position 1238, G replaced by A.
Protein change: p.Arg413Gln; replaces arginine 413 with glutamine.
Molecular consequence: missense variant. On other transcripts: non-coding transcript variant (2).
Genome position (GRCh38, 1-based): chr16:56,501,013, C>T on the plus strand (G>A on the coding strand, the complement: BBS2 is on the minus strand). VCF-style: chr16-56501013-C-T. GRCh37 (hg19) VCF-style: chr16-56534925-C-T.
Other names: c.1238G>A (NM_031885.3); c.1238G>A, p.Arg413Gln (NM_001377456.1); short protein forms R413Q.
Identifiers: ClinVar variation 1014324 (VCV001014324.12), dbSNP rs141683908, ClinGen allele CA8065779.